The following is an entry in ClinVar:

ClinVar aggregate classification (germline): Likely benign (0 of 4 stars; one submission).

Conditions:
IL4R-related disorder. Also called: IL4R-related condition.

Allele frequency attached by ClinVar (database versions not stated): gnomAD exomes 0.00003; ExAC 0.00017; gnomAD 0.00036; TOPMed 0.00038; ESP Exome Variant Server 0.00046; 1000 Genomes Project 30x 0.00094; 1000 Genomes Project 0.00120.
gnomAD v4.1: 94 of 1,614,168 alleles (0.0058%); highest among the groups gnomAD compares: African/African-American, 0.12%; no homozygotes.

Submission:

PreventionGenetics, part of Exact Sciences
Classification: Likely benign for IL4R-related condition. Last evaluated: 2022-02-15. Review status: no assertion criteria provided. Collection method: clinical testing. Allele origin: germline.
Comment: This variant is classified as likely benign based on ACMG/AMP sequence variant interpretation guidelines (Richards et al. 2015 PMID: 25741868, with internal and published modifications).

NM_000418.4(IL4R):c.1475C>T (p.Ala492Val)

Gene: IL4R (interleukin 4 receptor; plus strand). Cytogenetic location: 16p12.1.
Variant type: single nucleotide variant.
Coding change: c.1475C>T on transcript NM_000418.4 (MANE Select); coding-DNA position 1475, C replaced by T.
Protein change: p.Ala492Val; replaces alanine 492 with valine.
Molecular consequence: missense variant.
Genome position (GRCh38, 1-based): chr16:27,362,827, C>T. VCF-style: chr16-27362827-C-T. GRCh37 (hg19) VCF-style: chr16-27374148-C-T.
Other names: c.1475C>T, p.Ala492Val (NM_001257406.2); c.1430C>T, p.Ala477Val (NM_001257407.2); c.995C>T, p.Ala332Val (NM_001257997.2); short protein forms A332V, A477V, A492V.
Identifiers: ClinVar variation 3046364 (VCV003046364.2), dbSNP rs34727572, ClinGen allele CA7974573.